The following is an entry in ClinVar:

NM_004360.5(CDH1):c.2215G>A (p.Glu739Lys)

Gene: CDH1 (cadherin 1; plus strand). Cytogenetic location: 16q22.1.
Variant type: single nucleotide variant.
Coding change: c.2215G>A on transcript NM_004360.5 (MANE Select); coding-DNA position 2215, G replaced by A.
Protein change: p.Glu739Lys; replaces glutamic acid 739 with lysine.
Molecular consequence: missense variant.
Genome position (GRCh38, 1-based): chr16:68,828,224, G>A. VCF-style: chr16-68828224-G-A. GRCh37 (hg19) VCF-style: chr16-68862127-G-A.
Other names: c.2032G>A, p.Glu678Lys (NM_001317184.2); c.667G>A, p.Glu223Lys (NM_001317185.2); c.250G>A, p.Glu84Lys (NM_001317186.2); short protein forms E739K, E84K, E223K, E678K.
Identifiers: ClinVar variation 2708103 (VCV002708103.3), dbSNP rs2152141449, ClinGen allele CA396469624.

ClinVar aggregate classification (germline): Uncertain significance (1 of 4 stars; one submission).

Conditions:
Hereditary diffuse gastric adenocarcinoma (HDGC). Also called: DIFFUSE GASTRIC AND LOBULAR BREAST CANCER SYNDROME. Identifiers: Orphanet 26106, MedGen C1708349, MONDO:0007648, OMIM 137215.

Allele frequency attached by ClinVar (database versions not stated): gnomAD exomes below 0.00001.
gnomAD v4.1: 2 of 1,614,054 alleles (0.00012%); highest among the groups gnomAD compares: Non-Finnish European, 0.000085%; no homozygotes.

Submission:

Labcorp Genetics (formerly Invitae), Labcorp
Classification: Uncertain significance for Hereditary diffuse gastric adenocarcinoma. Last evaluated: 2024-01-07. Review status: criteria provided, single submitter. Criteria: Invitae Variant Classification Sherloc (09022015). Collection method: clinical testing. Allele origin: germline.
Comment: This sequence change replaces glutamic acid, which is acidic and polar, with lysine, which is basic and polar, at codon 739 of the CDH1 protein (p.Glu739Lys). This variant is not present in population databases (gnomAD no frequency). This variant has not been reported in the literature in individuals affected with CDH1-related conditions. An algorithm developed to predict the effect of missense changes on protein structure and function (PolyPhen-2) suggests that this variant is likely to be disruptive. In summary, the available evidence is currently insufficient to determine the role of this variant in disease. Therefore, it has been classified as a Variant of Uncertain Significance.